The following is an entry in ClinVar:

NM_001849.4(COL6A2):c.1876A>G (p.Ile626Val)

Gene: COL6A2 (collagen type VI alpha 2 chain; plus strand). Cytogenetic location: 21q22.3.
Variant type: single nucleotide variant.
Coding change: c.1876A>G on transcript NM_001849.4 (MANE Select); coding-DNA position 1876, A replaced by G.
Protein change: p.Ile626Val; replaces isoleucine 626 with valine.
Molecular consequence: missense variant.
Genome position (GRCh38, 1-based): chr21:46,125,524, A>G. VCF-style: chr21-46125524-A-G. GRCh37 (hg19) VCF-style: chr21-47545438-A-G.
Other names: c.1876A>G, p.Ile626Val (NM_058174.3, NM_058175.3); short protein forms I626V.
Identifiers: ClinVar variation 2782495 (VCV002782495.3), dbSNP rs1251319042, ClinGen allele CA410538603.

ClinVar aggregate classification (germline): Uncertain significance (1 of 4 stars; one submission).

Conditions:
Bethlem myopathy 1A. Also called: Bethlem myopathy 1; MYOPATHY, BENIGN CONGENITAL, WITH CONTRACTURES; Bethlem Muscular Dystrophy. Identifiers: Orphanet 610, MedGen CN029274, MONDO:0024530, OMIM 158810.

gnomAD v4.1: 5 of 1,612,946 alleles (0.00031%); highest among the groups gnomAD compares: Admixed American, 0.0017%; no homozygotes.

Submission:

Labcorp Genetics (formerly Invitae), Labcorp
Classification: Uncertain significance for Bethlem myopathy 1A. Last evaluated: 2023-02-18. Review status: criteria provided, single submitter. Criteria: Invitae Variant Classification Sherloc (09022015). Collection method: clinical testing. Allele origin: germline.
Comment: In summary, the available evidence is currently insufficient to determine the role of this variant in disease. Therefore, it has been classified as a Variant of Uncertain Significance. Advanced modeling of protein sequence and biophysical properties (such as structural, functional, and spatial information, amino acid conservation, physicochemical variation, residue mobility, and thermodynamic stability) performed at Invitae indicates that this missense variant is not expected to disrupt COL6A2 protein function. This variant has not been reported in the literature in individuals affected with COL6A2-related conditions. This variant is present in population databases (no rsID available, gnomAD 0.003%). This sequence change replaces isoleucine, which is neutral and non-polar, with valine, which is neutral and non-polar, at codon 626 of the COL6A2 protein (p.Ile626Val).